The following is an entry in ClinVar:

ClinVar aggregate classification (germline): Pathogenic/Likely pathogenic. Review status: criteria provided, multiple submitters, no conflicts (2 of 4 stars). 4 submissions from 4 submitters: Pathogenic (2); Likely pathogenic (1). 1 of the submissions does not count toward it. Last evaluated 2026-08-12.

Conditions:
MYCN-related disorder. Also called: MYCN-related condition.
Megalencephaly-polydactyly syndrome (MPAPA). Identifiers: MedGen C5935591, MONDO:0958279, OMIM 620748.

Submissions (4):

GeneDx
Classification: Pathogenic. Last evaluated: 2026-08-12. Review status: criteria provided, single submitter. Criteria: GeneDx Variant Classification Process June 2021. Collection method: clinical testing. Allele origin: germline.
Comment: Published functional studies suggest this variant acts through a gain-of-function mechanism resulting in increased stability and accumulation of protein (PMID: 30573562, 37710961); Not observed at significant frequency in large population cohorts (gnomAD); In silico analysis supports that this missense variant has a deleterious effect on protein structure/function; This variant is associated with the following publications: (PMID: 42287636, 30573562, 37710961)

Department Of Pediatrics And Neonatology, Nagoya City University Graduate School Of Medical Sciences
Classification: Pathogenic for megalencephaly-polydactyly syndrome. Last evaluated: 2023-05-31. Review status: criteria provided, single submitter. Criteria: ACMG Guidelines, 2015. Collection method: research. Allele origin: de novo. Affected: yes.

PreventionGenetics, part of Exact Sciences
Classification: Likely pathogenic for MYCN-related condition. Last evaluated: 2023-05-10. Review status: criteria provided, single submitter. Criteria: ACMG Guidelines, 2015. Collection method: clinical testing. Allele origin: germline.
Comment: The MYCN c.173C>T variant is predicted to result in the amino acid substitution p.Thr58Met. This variant was reported re a de novo variant in an individual with megalencephaly, intellectual disability, distinctive facies, ventriculomegaly and polydactyly, and functional studies suggests this variant lead to accumulation of MYCN protein and prolonged CCND1 and CCND2 expression (Kato et al 2019. PubMed ID: 30573562). This variant has not been reported in a large population database, indicating this variant is rare. This variant is interpreted as likely pathogenic.

OMIM
Classification: Pathogenic for MEGALENCEPHALY-POLYDACTYLY SYNDROME. Last evaluated: 2024-03-07. Review status: no assertion criteria provided. Collection method: literature only. Allele origin: germline. Not counted in ClinVar's aggregate classification.

Literature cited by the submitters: PubMed 30573562 (cited by OMIM); PubMed 37710961 (cited by OMIM).

NM_005378.6(MYCN):c.173C>T (p.Thr58Met)

Genes: MYCN (MYCN proto-oncogene, bHLH transcription factor; plus strand), MYCNOS (MYCN opposite strand; minus strand). Cytogenetic location: 2p24.3.
Variant type: single nucleotide variant.
Coding change: c.173C>T on transcript NM_005378.6 (MANE Select); coding-DNA position 173, C replaced by T.
Protein change: p.Thr58Met; replaces threonine 58 with methionine.
Molecular consequence: missense variant. On other transcripts: non-coding transcript variant (1), 3 prime UTR variant (1), intron variant (1).
Genome position (GRCh38, 1-based): chr2:15,942,237, C>T. VCF-style: chr2-15942237-C-T. GRCh37 (hg19) VCF-style: chr2-16082359-C-T.
Other names: NP_005369.2:p.(Thr58Met); c.173C>T (NM_005378.4); c.173C>T, p.Thr58Met (NM_001293228.2); c.*108C>T (NM_001293233.2); c.157+1494C>T (NM_001293231.2); short protein forms T58M.
Identifiers: ClinVar variation 2443779 (VCV002443779.7), dbSNP rs2527924310, ClinGen allele CA345930320.